The following is an entry in ClinVar:

ClinVar aggregate classification (germline): Uncertain significance (1 of 4 stars; one submission).

Conditions:
Dilated cardiomyopathy 1M (CMD1M). Identifiers: Orphanet 154, MedGen C1843808, MONDO:0011840, OMIM 607482.
Hypertrophic cardiomyopathy 12. Identifiers: MedGen C2677491, MONDO:0012804, OMIM 612124.

Submission:

Labcorp Genetics (formerly Invitae), Labcorp
Classification: Uncertain significance for Hypertrophic cardiomyopathy 12; Dilated cardiomyopathy 1M. Last evaluated: 2022-09-26. Review status: criteria provided, single submitter. Criteria: Invitae Variant Classification Sherloc (09022015). Collection method: clinical testing. Allele origin: germline.
Comment: In summary, the available evidence is currently insufficient to determine the role of this variant in disease. Therefore, it has been classified as a Variant of Uncertain Significance. Experimental studies and prediction algorithms are not available or were not evaluated, and the functional significance of this variant is currently unknown. This variant has not been reported in the literature in individuals affected with CSRP3-related conditions. This variant is a gross deletion of the genomic region encompassing exon(s) 4-7 of the CSRP3 gene, which includes the termination codon. This deletion extends beyond the assayed region for this gene and therefore may encompass additional genes. While this deletion is not anticipated to lead to nonsense mediated decay, it is expected to alter mRNA translation or result in a truncated protein product.

NC_000011.9:g.(?_19204217)_(19209871_?)del

Gene: CSRP3 (cysteine and glycine rich protein 3; minus strand). Cytogenetic location: 11p15.1.
Variant type: Deletion.
Identifiers: ClinVar variation 2424683 (VCV002424683.4).